The following is an entry in ClinVar:

NM_020812.4(DOCK6):c.451C>G (p.Arg151Gly)

Gene: DOCK6 (dedicator of cytokinesis 6; minus strand). Cytogenetic location: 19p13.2.
Variant type: single nucleotide variant.
Coding change: c.451C>G on transcript NM_020812.4 (MANE Select); coding-DNA position 451, C replaced by G.
Protein change: p.Arg151Gly; replaces arginine 151 with glycine.
Molecular consequence: missense variant.
Genome position (GRCh38, 1-based): chr19:11,252,175, G>C on the plus strand (C>G on the coding strand, the complement: DOCK6 is on the minus strand). VCF-style: chr19-11252175-G-C. GRCh37 (hg19) VCF-style: chr19-11362851-G-C.
Other names: c.451C>G, p.Arg151Gly (NM_001367830.1); short protein forms R151G.
Identifiers: ClinVar variation 1500985 (VCV001500985.3), dbSNP rs200587566, ClinGen allele CA9208489.

ClinVar aggregate classification (germline): Uncertain significance (1 of 4 stars; one submission).

Allele frequency attached by ClinVar (database versions not stated): 1000 Genomes Project 30x 0.00016; 1000 Genomes Project 0.00020.
gnomAD v4.1: 40 of 1,584,974 alleles (0.0025%); highest among the groups gnomAD compares: South Asian, 0.015%; no homozygotes.

Submission:

Labcorp Genetics (formerly Invitae), Labcorp
Classification: Uncertain significance. Last evaluated: 2022-08-16. Review status: criteria provided, single submitter. Criteria: Invitae Variant Classification Sherloc (09022015). Collection method: clinical testing. Allele origin: germline.
Comment: This sequence change replaces arginine, which is basic and polar, with glycine, which is neutral and non-polar, at codon 151 of the DOCK6 protein (p.Arg151Gly). This variant is present in population databases (rs200587566, gnomAD 0.01%). This variant has not been reported in the literature in individuals affected with DOCK6-related conditions. ClinVar contains an entry for this variant (Variation ID: 1500985). Algorithms developed to predict the effect of missense changes on protein structure and function (SIFT, PolyPhen-2, Align-GVGD) all suggest that this variant is likely to be tolerated. In summary, the available evidence is currently insufficient to determine the role of this variant in disease. Therefore, it has been classified as a Variant of Uncertain Significance.